The following is an entry in ClinVar:

ClinVar aggregate classification (germline): Uncertain significance (1 of 4 stars; one submission).

Submission:

GeneDx
Classification: Uncertain significance. Last evaluated: 2025-02-24. Review status: criteria provided, single submitter. Criteria: GeneDx Variant Classification Process June 2021. Collection method: clinical testing. Allele origin: germline. Affected: yes.
Comment: Not observed at significant frequency in large population cohorts (gnomAD); In silico analysis indicates that this missense variant does not alter protein structure/function; Has not been previously published as pathogenic or benign to our knowledge

NM_014712.3(SETD1A):c.4024G>A (p.Val1342Met)

Gene: SETD1A (SET domain containing 1A, histone lysine methyltransferase; plus strand). Cytogenetic location: 16p11.2.
Variant type: single nucleotide variant.
Coding change: c.4024G>A on transcript NM_014712.3 (MANE Select); coding-DNA position 4024, G replaced by A.
Protein change: p.Val1342Met; replaces valine 1342 with methionine.
Molecular consequence: missense variant.
Genome position (GRCh38, 1-based): chr16:30,979,810, G>A. VCF-style: chr16-30979810-G-A. GRCh37 (hg19) VCF-style: chr16-30991131-G-A.
Other names: short protein forms V1342M.
Identifiers: ClinVar variation 3371181 (VCV003371181.2).